The following is an entry in ClinVar:

NM_001386140.1(MTTP):c.1769+1G>C

Gene: MTTP (microsomal triglyceride transfer protein; plus strand). Cytogenetic location: 4q23.
Variant type: single nucleotide variant.
Coding change: c.1769+1G>C on transcript NM_001386140.1 (MANE Select); the canonical splice donor site of the intron after coding-DNA position 1769, G replaced by C.
Molecular consequence: splice donor variant.
Genome position (GRCh38, 1-based): chr4:99,608,978, G>C. VCF-style: chr4-99608978-G-C. GRCh37 (hg19) VCF-style: chr4-100530135-G-C.
Other names: c.1769+1G>C (NM_000253.4); c.1520+1G>C (NM_001300785.2).
Identifiers: ClinVar variation 3643073 (VCV003643073.2).

ClinVar aggregate classification (germline): Likely pathogenic (1 of 4 stars; one submission).

Submission:

Labcorp Genetics (formerly Invitae), Labcorp
Classification: Likely pathogenic. Last evaluated: 2024-02-24. Review status: criteria provided, single submitter. Criteria: Invitae Variant Classification Sherloc (09022015). Collection method: clinical testing. Allele origin: germline.
Comment: This sequence change affects a donor splice site in intron 13 of the MTTP gene. It is expected to disrupt RNA splicing. Variants that disrupt the donor or acceptor splice site typically lead to a loss of protein function (PMID: 16199547), and loss-of-function variants in MTTP are known to be pathogenic (PMID: 8533758, 9671739). This variant is not present in population databases (gnomAD no frequency). This variant has not been reported in the literature in individuals affected with MTTP-related conditions. Algorithms developed to predict the effect of sequence changes on RNA splicing suggest that this variant may disrupt the consensus splice site. In summary, the currently available evidence indicates that the variant is pathogenic, but additional data are needed to prove that conclusively. Therefore, this variant has been classified as Likely Pathogenic.

Literature cited by the submitters: PubMed 16199547; PubMed 8533758; PubMed 9671739.